The following is an entry in ClinVar:

NM_001061.7(TBXAS1):c.1381C>T (p.Arg461Trp)

Gene: TBXAS1 (thromboxane A synthase 1; plus strand). Cytogenetic location: 7q34.
Variant type: single nucleotide variant.
Coding change: c.1381C>T on transcript NM_001061.7 (MANE Select); coding-DNA position 1381, C replaced by T.
Protein change: p.Arg461Trp; replaces arginine 461 with tryptophan.
Molecular consequence: missense variant. On other transcripts: intron variant (1).
Genome position (GRCh38, 1-based): chr7:140,017,687, C>T. VCF-style: chr7-140017687-C-T. GRCh37 (hg19) VCF-style: chr7-139717487-C-T.
Other names: c.1381C>T, p.Arg461Trp (NM_001130966.5); c.1519C>T, p.Arg507Trp (NM_001166253.4); c.1180C>T, p.Arg394Trp (NM_001166254.4); c.1324C>T, p.Arg442Trp (NM_001314028.4); c.1198C>T, p.Arg400Trp (NM_001366537.3); c.1364+1827C>T (NM_030984.6); short protein forms R400W, R442W, R461W, R394W, R507W.
Identifiers: ClinVar variation 1353071 (VCV001353071.4), dbSNP rs5764, ClinGen allele CA4512029.

ClinVar aggregate classification (germline): Uncertain significance (1 of 4 stars; one submission).

Allele frequency attached by ClinVar (database versions not stated): gnomAD 0.00001; TOPMed 0.00006.
gnomAD v4.1: 64 of 1,613,158 alleles (0.004%); highest among the groups gnomAD compares: Admixed American, 0.088%; no homozygotes.

Submission:

Labcorp Genetics (formerly Invitae), Labcorp
Classification: Uncertain significance. Last evaluated: 2025-06-23. Review status: criteria provided, single submitter. Criteria: Invitae Variant Classification Sherloc (09022015). Collection method: clinical testing. Allele origin: germline.
Comment: This sequence change replaces arginine, which is basic and polar, with tryptophan, which is neutral and slightly polar, at codon 462 of the TBXAS1 protein (p.Arg462Trp). This variant is present in population databases (rs5764, gnomAD 0.1%). This variant has not been reported in the literature in individuals affected with TBXAS1-related conditions. ClinVar contains an entry for this variant (Variation ID: 1353071). An algorithm developed to predict the effect of missense changes on protein structure and function (PolyPhen-2) suggests that this variant is likely to be tolerated. In summary, the available evidence is currently insufficient to determine the role of this variant in disease. Therefore, it has been classified as a Variant of Uncertain Significance.